The following is an entry in ClinVar:

ClinVar aggregate classification (germline): Pathogenic (1 of 4 stars; one submission).

Conditions:
Autosomal dominant intellectual disability-craniofacial anomalies-cardiac defects syndrome (ARTHS). Also called: KAT6A syndrome; Mental retardation, autosomal dominant 32; Arboleda-Tham syndrome. Identifiers: Orphanet 457193, MedGen C4225396, MONDO:0014558, OMIM 616268.

Submission:

Victorian Clinical Genetics Services, Murdoch Childrens Research Institute
Classification: Pathogenic for Autosomal dominant intellectual disability-craniofacial anomalies-cardiac defects syndrome. Last evaluated: 2025-10-03. Review status: criteria provided, single submitter. Criteria: ACMG Guidelines, 2015. Collection method: clinical testing. Allele origin: germline. Affected: yes.
Comment: This variant is classified as Pathogenic. Evidence in support of pathogenic classification: Splice site variant proven to affect splicing of the transcript with a known effect on protein sequence. RNA analysis has shown that this variant creates a cryptic splice site 2bp upstream of the canonical acceptor splice site. Abberant splicing is predicted to result in a protein truncating variant NM_006766.5:p.(Asp1118Glufs*6), with at least 1/3 of the protein sequence affected (Gene-STEPS); Variant is absent from gnomAD (v2, v3 and v4); Other protein truncating variants comparable to the one identified in this case have very strong previous evidence for pathogenicity (DECIPHER). In addition, another non-canonical splice site variant c.3353-3T>C has been classified as a variant of uncertain significance once by a clinical laboratory (ClinVar); Additional information: This variant is heterozygous; This gene is associated with autosomal dominant disease; Alternative nucleotide change(s) at the same non-canonical splice site are present in gnomAD (highest allele count: v4: 4 heterozygote(s), 0 homozygote(s)) ; This variant has no previous evidence of pathogenicity; No published segregation evidence has been identified for this variant; No published functional evidence has been identified for this variant; In silico prediction for abnormal splicing and nucleotide conservation are conflicting; Loss of function is a known mechanism of disease in this gene and is associated with Arboleda-Tham syndrome (MIM# 616268).

NM_006766.5(KAT6A):c.3353-3T>G

Gene: KAT6A (lysine acetyltransferase 6A; minus strand). Cytogenetic location: 8p11.21.
Variant type: single nucleotide variant.
Coding change: c.3353-3T>G on transcript NM_006766.5 (MANE Select); 3 bases into the intron before coding-DNA position 3353, T replaced by G.
Molecular consequence: intron variant.
Genome position (GRCh38, 1-based): chr8:41,934,870, A>C on the plus strand (T>G on the coding strand, the complement: KAT6A is on the minus strand). VCF-style: chr8-41934870-A-C. GRCh37 (hg19) VCF-style: chr8-41792388-A-C.
Identifiers: ClinVar variation 4532097 (VCV004532097.1).